The following is an entry in ClinVar:

NM_001252102.2(KIF21B):c.979C>G (p.Leu327Val)

Gene: KIF21B (kinesin family member 21B; minus strand). Cytogenetic location: 1q32.1.
Variant type: single nucleotide variant.
Coding change: c.979C>G on transcript NM_001252102.2 (MANE Select); coding-DNA position 979, C replaced by G.
Protein change: p.Leu327Val; replaces leucine 327 with valine.
Molecular consequence: missense variant.
Genome position (GRCh38, 1-based): chr1:201,004,377, G>C on the plus strand (C>G on the coding strand, the complement: KIF21B is on the minus strand). VCF-style: chr1-201004377-G-C. GRCh37 (hg19) VCF-style: chr1-200973505-G-C.
Other names: c.979C>G, p.Leu327Val (NM_001252100.2, NM_001252103.2, NM_017596.4); short protein forms L327V.
Identifiers: ClinVar variation 1803419 (VCV001803419.1), dbSNP rs1182142756, ClinGen allele CA344110672.

ClinVar aggregate classification (germline): Uncertain significance (1 of 4 stars; one submission).

Allele frequency attached by ClinVar (database versions not stated): TOPMed 0.00001.

Submission:

GeneDx
Classification: Uncertain significance. Last evaluated: 2022-06-09. Review status: criteria provided, single submitter. Criteria: GeneDx Variant Classification Process June 2021. Collection method: clinical testing. Allele origin: germline. Affected: yes.
Comment: Not observed at significant frequency in large population cohorts (gnomAD); In silico analysis supports that this missense variant has a deleterious effect on protein structure/function; Has not been previously published as pathogenic or benign to our knowledge